The following is an entry in ClinVar:

NM_001292063.2(OTOG):c.5056C>T (p.Gln1686Ter)

Gene: OTOG (otogelin; plus strand). Cytogenetic location: 11p15.1.
Variant type: single nucleotide variant.
Coding change: c.5056C>T on transcript NM_001292063.2 (MANE Select); coding-DNA position 5056, C replaced by T.
Protein change: p.Gln1686Ter; replaces glutamine 1686 with a stop codon.
Molecular consequence: nonsense.
Genome position (GRCh38, 1-based): chr11:17,610,356, C>T. VCF-style: chr11-17610356-C-T. GRCh37 (hg19) VCF-style: chr11-17631903-C-T.
Other names: c.5092C>T, p.Gln1698Ter (NM_001277269.2); short protein forms Q1698*, Q1686*.
Identifiers: ClinVar variation 489359 (VCV000489359.13), dbSNP rs930688767, ClinGen allele CA218476029.
Genomic context (GRCh38, chr11:17,610,356, plus strand): 5'-GCTGTGCTGACACCTGCAGTAACTAAGGTCATAAGCAGGACAGGGGTCCCCCAGCCCACC[C>T]AGGCCCAGAGTGCTTCAAGTCCCAGCACCCCTCTAACTGTGGCTGGAACAGCAGCAGAAC-3'

ClinVar aggregate classification (germline): Pathogenic/Likely pathogenic. Review status: criteria provided, multiple submitters, no conflicts (2 of 4 stars). 4 submissions from 4 submitters: Pathogenic (2); Likely pathogenic (2). Last evaluated 2026-02-01.

Conditions:
OTOG-related disorder. Also called: OTOG-related condition.

Allele frequency attached by ClinVar (database versions not stated): gnomAD exomes 0.00001; gnomAD 0.00003.
gnomAD v4.1: 53 of 1,550,592 alleles (0.0034%); highest among the groups gnomAD compares: Non-Finnish European, 0.0042%; no homozygotes.

Submissions (4):

CeGaT Center for Human Genetics Tuebingen
Classification: Pathogenic. Last evaluated: 2026-02-01. Review status: criteria provided, single submitter. Criteria: CeGaT Center For Human Genetics Tuebingen Variant Classification Criteria Version 2. Collection method: clinical testing. Allele origin: germline. Affected: yes. Observed: 1 variant allele.
Comment: OTOG: PVS1, PM2, PM3

GeneDx
Classification: Pathogenic. Last evaluated: 2025-12-02. Review status: criteria provided, single submitter. Criteria: GeneDx Variant Classification Process June 2021. Collection method: clinical testing. Allele origin: germline. Affected: yes.
Comment: Nonsense variant predicted to result in protein truncation or nonsense mediated decay in a gene for which loss of function is a known mechanism of disease; Not observed at significant frequency in large population cohorts (gnomAD); This variant is associated with the following publications: (PMID: 36515421)

PreventionGenetics, part of Exact Sciences
Classification: Likely pathogenic for OTOG-related condition. Last evaluated: 2025-09-25. Review status: criteria provided, single submitter. Criteria: ACMG Guidelines, 2015. Collection method: clinical testing. Allele origin: germline.
Comment: The OTOG c.5092C>T variant is predicted to result in premature protein termination (p.Gln1698*). This variant was reported along with second OTOG loss-of-function variant in an individual with congenital sensorineural hearing loss (Table S2, Perry et al. 2022. PubMed ID: 36515421). This variant is reported in 0.0042% of alleles in individuals of European (Non-Finnish) descent in gnomAD. Nonsense variants in OTOG are expected to be pathogenic. This variant is interpreted as likely pathogenic.

Blueprint Genetics
Classification: Likely pathogenic for OTOG-related disorders. Last evaluated: 2021-06-21. Review status: criteria provided, single submitter. Criteria: ACMG Guidelines, 2015. Collection method: clinical testing. Allele origin: germline. Affected: yes. Observed: 1 variant allele.